The following is an entry in ClinVar:

NM_006279.5(ST3GAL3):c.23G>A (p.Arg8His)

Gene: ST3GAL3 (ST3 beta-galactoside alpha-2,3-sialyltransferase 3; plus strand). Cytogenetic location: 1p34.1.
Variant type: single nucleotide variant.
Coding change: c.23G>A on transcript NM_006279.5 (MANE Select); coding-DNA position 23, G replaced by A.
Protein change: p.Arg8His; replaces arginine 8 with histidine.
Molecular consequence: missense variant. On other transcripts: 5 prime UTR variant (1), non-coding transcript variant (8).
Genome position (GRCh38, 1-based): chr1:43,736,285, G>A. VCF-style: chr1-43736285-G-A. GRCh37 (hg19) VCF-style: chr1-44201956-G-A.
Other names: c.23G>A, p.Arg8His (NM_001270459.2, NM_001270460.2, NM_001270461.3 and 17 more transcripts); c.-431G>A (NM_001350621.2); short protein forms R8H.
Identifiers: ClinVar variation 436878 (VCV000436878.8), dbSNP rs900948973, ClinGen allele CA21673208.

ClinVar aggregate classification (germline): Uncertain significance. Review status: criteria provided, multiple submitters, no conflicts (2 of 4 stars). 2 submissions from 2 submitters: Uncertain significance (2). Last evaluated 2023-11-07.

Conditions:
Developmental and epileptic encephalopathy. Identifiers: MedGen C5779964, MONDO:0100620.

gnomAD v4.1: 2 of 1,614,130 alleles (0.00012%); highest among the groups gnomAD compares: South Asian, 0.0011%; no homozygotes.

Submissions (2):

Labcorp Genetics (formerly Invitae), Labcorp
Classification: Uncertain significance for Early-infantile DEE. Last evaluated: 2023-11-07. Review status: criteria provided, single submitter. Criteria: Invitae Variant Classification Sherloc (09022015). Collection method: clinical testing. Allele origin: germline.
Comment: This sequence change replaces arginine, which is basic and polar, with histidine, which is basic and polar, at codon 8 of the ST3GAL3 protein (p.Arg8His). This variant is not present in population databases (gnomAD no frequency). This variant has not been reported in the literature in individuals affected with ST3GAL3-related conditions. ClinVar contains an entry for this variant (Variation ID: 436878). Experimental studies and prediction algorithms are not available or were not evaluated, and the functional significance of this variant is currently unknown. In summary, the available evidence is currently insufficient to determine the role of this variant in disease. Therefore, it has been classified as a Variant of Uncertain Significance.

Genetic Services Laboratory, University of Chicago
Classification: Uncertain significance. Last evaluated: 2015-09-23. Review status: criteria provided, single submitter. Criteria: ACMG Guidelines, 2015. Collection method: clinical testing. Allele origin: germline. Affected: no.